The following is an entry in ClinVar:

NM_001429.4(EP300):c.2829A>G (p.Pro943=)

Genes: EP300 (EP300 lysine acetyltransferase; plus strand), LOC126863158 (BRD4-independent group 4 enhancer GRCh37_chr22:41547383-41548582; plus strand). Cytogenetic location: 22q13.2.
Variant type: single nucleotide variant.
Coding change: c.2829A>G on transcript NM_001429.4 (MANE Select); coding-DNA position 2829, A replaced by G.
Protein change: p.Pro943=; no amino-acid change (proline 943 retained).
Molecular consequence: synonymous variant.
Genome position (GRCh38, 1-based): chr22:41,151,844, A>G. VCF-style: chr22-41151844-A-G. GRCh37 (hg19) VCF-style: chr22-41547848-A-G.
Other names: c.2751A>G, p.Pro917= (NM_001362843.2); c.2829A>G (NM_001429.3).
Identifiers: ClinVar variation 2181791 (VCV002181791.5), dbSNP rs2517800316, ClinGen allele CA514643788.
Genomic context (GRCh38, chr22:41,151,844, plus strand): 5'-TGGCAGACTCTGCGTGTGTCTCACCTACTTCCCTTTTTTTTCTGCCCAGCTTTCCCAGCC[A>G]GCTGTAAGCATTGAAGGACAGGTATCAAATCCTCCATCTACTAGTAGCACAGAAGTGAAT-3'
Protein context (NP_001420.2, residues 933-953): PPQPATPLSQ[Pro943=]AVSIEGQVSN

ClinVar aggregate classification (germline): Likely benign. Review status: criteria provided, single submitter (1 of 4 stars). 2 submissions from 2 submitters: Likely benign (1). 1 of the submissions does not count toward it. Last evaluated 2024-10-08.

Conditions:
EP300-related disorder. Also called: EP300-related condition; EP300-related disorders.
Rubinstein-Taybi syndrome due to EP300 haploinsufficiency. Also called: EP300-Related Rubinstein-Taybi Syndrome; RUBINSTEIN-TAYBI SYNDROME 2. Identifiers: Orphanet 353284, Orphanet 783, MedGen C3150941, MONDO:0013364, OMIM 613684.

Allele frequency attached by ClinVar (database versions not stated): gnomAD exomes below 0.00001.
gnomAD v4.1: 1 of 1,614,080 alleles (0.000062%); highest among the groups gnomAD compares: Admixed American, 0.0017%; no homozygotes.

Submissions (2):

Labcorp Genetics (formerly Invitae), Labcorp
Classification: Likely benign for Rubinstein-Taybi syndrome due to EP300 haploinsufficiency. Last evaluated: 2024-10-08. Review status: criteria provided, single submitter. Criteria: Invitae Variant Classification Sherloc (09022015). Collection method: clinical testing. Allele origin: germline.

PreventionGenetics, part of Exact Sciences
Classification: Likely benign for EP300-related condition. Last evaluated: 2021-08-10. Review status: no assertion criteria provided. Collection method: clinical testing. Allele origin: germline. Not counted in ClinVar's aggregate classification.
Comment: This variant is classified as likely benign based on ACMG/AMP sequence variant interpretation guidelines (Richards et al. 2015 PMID: 25741868, with internal and published modifications).